The following is an entry in ClinVar:

ClinVar aggregate classification (germline): Uncertain significance (1 of 4 stars; one submission).

Submission:

Ambry Genetics
Classification: Uncertain significance. Last evaluated: 2022-03-20. Review status: criteria provided, single submitter. Criteria: Ambry Variant Classification Scheme 2023. Collection method: clinical testing. Allele origin: germline.
Comment: The p.N171D variant (also known as c.511A>G), located in coding exon 3 of the IDH1 gene, results from an A to G substitution at nucleotide position 511. The asparagine at codon 171 is replaced by aspartic acid, an amino acid with highly similar properties. This amino acid position is conserved. In addition, this alteration is predicted to be tolerated by in silico analysis. Since supporting evidence is limited at this time, the clinical significance of this alteration remains unclear.

NM_005896.4(IDH1):c.511A>G (p.Asn171Asp)

Gene: IDH1 (isocitrate dehydrogenase (NADP(+)) 1; minus strand). Cytogenetic location: 2q34.
Variant type: single nucleotide variant.
Coding change: c.511A>G on transcript NM_005896.4 (MANE Select); coding-DNA position 511, A replaced by G.
Protein change: p.Asn171Asp; replaces asparagine 171 with aspartic acid.
Molecular consequence: missense variant.
Genome position (GRCh38, 1-based): chr2:208,245,328, T>C on the plus strand (A>G on the coding strand, the complement: IDH1 is on the minus strand). VCF-style: chr2-208245328-T-C. GRCh37 (hg19) VCF-style: chr2-209110052-T-C.
Other names: c.511A>G, p.Asn171Asp (NM_001282386.1, NM_001282387.1); short protein forms N171D.
Identifiers: ClinVar variation 1745453 (VCV001745453.2), dbSNP rs2124857189, ClinGen allele CA350100257.